The following is an entry in ClinVar:

ClinVar aggregate classification (germline): Uncertain significance. Review status: criteria provided, multiple submitters, no conflicts (2 of 4 stars). 2 submissions from 2 submitters: Uncertain significance (2). Last evaluated 2024-06-27.

Conditions:
Hereditary cancer-predisposing syndrome. Also called: Hereditary neoplastic syndrome; Tumor predisposition; Neoplastic Syndromes, Hereditary; Hereditary Cancer Syndrome. Identifiers: Orphanet 140162, MedGen C0027672, MeSH D009386, MONDO:0015356.
Cardiovascular phenotype. Identifiers: MedGen CN230736.
Neurofibromatosis, type 1 (NF1). Also called: Neurofibromatosis, type I; VON RECKLINGHAUSEN DISEASE; Peripheral type neurofibromatosis; NEUROFIBROMATOSIS, TYPE I, SOMATIC. Identifiers: Orphanet 636, MedGen C0027831, MONDO:0018975, OMIM 162200. Disease mechanism: loss of function.

Submissions (2):

Ambry Genetics
Classification: Uncertain significance for Cardiovascular phenotype; Hereditary cancer-predisposing syndrome. Last evaluated: 2024-06-27. Review status: criteria provided, single submitter. Criteria: Ambry Variant Classification Scheme 2023. Collection method: clinical testing. Allele origin: germline.
Comment: The p.I213V variant (also known as c.637A>G), located in coding exon 6 of the NF1 gene, results from an A to G substitution at nucleotide position 637. The isoleucine at codon 213 is replaced by valine, an amino acid with highly similar properties. This amino acid position is conserved. In addition, the in silico prediction for this alteration is inconclusive. Based on the available evidence, the clinical significance of this variant remains unclear.

Labcorp Genetics (formerly Invitae), Labcorp
Classification: Uncertain significance for Neurofibromatosis, type 1. Last evaluated: 2023-07-10. Review status: criteria provided, single submitter. Criteria: Invitae Variant Classification Sherloc (09022015). Collection method: clinical testing. Allele origin: germline.
Comment: In summary, the available evidence is currently insufficient to determine the role of this variant in disease. Therefore, it has been classified as a Variant of Uncertain Significance. Advanced modeling of protein sequence and biophysical properties (such as structural, functional, and spatial information, amino acid conservation, physicochemical variation, residue mobility, and thermodynamic stability) has been performed at Invitae for this missense variant, however the output from this modeling did not meet the statistical confidence thresholds required to predict the impact of this variant on NF1 protein function. ClinVar contains an entry for this variant (Variation ID: 861456). This variant has not been reported in the literature in individuals affected with NF1-related conditions. This variant is not present in population databases (gnomAD no frequency). This sequence change replaces isoleucine, which is neutral and non-polar, with valine, which is neutral and non-polar, at codon 213 of the NF1 protein (p.Ile213Val).

NM_001042492.3(NF1):c.637A>G (p.Ile213Val)

Gene: NF1 (neurofibromin 1; plus strand). Cytogenetic location: 17q11.2.
Variant type: single nucleotide variant.
Coding change: c.637A>G on transcript NM_001042492.3 (MANE Select); coding-DNA position 637, A replaced by G.
Protein change: p.Ile213Val; replaces isoleucine 213 with valine.
Molecular consequence: missense variant.
Genome position (GRCh38, 1-based): chr17:31,181,472, A>G. VCF-style: chr17-31181472-A-G. GRCh37 (hg19) VCF-style: chr17-29508490-A-G.
Other names: c.637A>G, p.Ile213Val (NM_000267.4, NM_001128147.3); short protein forms I213V.
Identifiers: ClinVar variation 861456 (VCV000861456.7), dbSNP rs2066132329, ClinGen allele CA398989428.